The following is an entry in ClinVar:

NC_000003.11:g.(?_132379382)_(132441199_?)del

Genes: NPHP3 (nephrocystin 3; minus strand), UBA5 (ubiquitin like modifier activating enzyme 5; plus strand). Cytogenetic location: 3q22.1.
Variant type: Deletion.
Identifiers: ClinVar variation 1456839 (VCV001456839.3).

ClinVar aggregate classification (germline): Pathogenic (1 of 4 stars; one submission).

Submission:

Labcorp Genetics (formerly Invitae), Labcorp
Classification: Pathogenic. Last evaluated: 2021-11-02. Review status: criteria provided, single submitter. Criteria: Invitae Variant Classification Sherloc (09022015). Collection method: clinical testing. Allele origin: germline.
Comment: A gross deletion of the genomic region encompassing the full coding sequence of the UBA5 gene has been identified. Loss-of-function variants in UBA5 are known to be pathogenic (PMID: 27545674, 27545681). The boundaries of this event are unknown as they extend beyond the assayed region for this gene and therefore may encompass additional genes. A similar copy number variant has been observed in individual(s) with UBA5-related conditions (PMID: 29902590, 30078785). For these reasons, this variant has been classified as Pathogenic.

Literature cited by the submitters: PubMed 27545674; PubMed 27545681; PubMed 29902590; PubMed 30078785.